The following is an entry in ClinVar:

ClinVar aggregate classification (germline): Uncertain significance (1 of 4 stars; one submission).

Submission:

Labcorp Genetics (formerly Invitae), Labcorp
Classification: Uncertain significance. Last evaluated: 2022-12-24. Review status: criteria provided, single submitter. Criteria: Invitae Variant Classification Sherloc (09022015). Collection method: clinical testing. Allele origin: germline.
Comment: In summary, the available evidence is currently insufficient to determine the role of this variant in disease. Therefore, it has been classified as a Variant of Uncertain Significance. Advanced modeling of protein sequence and biophysical properties (such as structural, functional, and spatial information, amino acid conservation, physicochemical variation, residue mobility, and thermodynamic stability) performed at Invitae indicates that this missense variant is not expected to disrupt POLE protein function. This variant has not been reported in the literature in individuals affected with POLE-related conditions. This variant is not present in population databases (gnomAD no frequency). This sequence change replaces glutamine, which is neutral and polar, with histidine, which is basic and polar, at codon 1569 of the POLE protein (p.Gln1569His).

NM_006231.4(POLE):c.4707G>T (p.Gln1569His)

Gene: POLE (DNA polymerase epsilon, catalytic subunit; minus strand). Cytogenetic location: 12q24.33.
Variant type: single nucleotide variant.
Coding change: c.4707G>T on transcript NM_006231.4 (MANE Select); coding-DNA position 4707, G replaced by T.
Protein change: p.Gln1569His; replaces glutamine 1569 with histidine.
Molecular consequence: missense variant.
Genome position (GRCh38, 1-based): chr12:132,642,841, C>A on the plus strand (G>T on the coding strand, the complement: POLE is on the minus strand). VCF-style: chr12-132642841-C-A. GRCh37 (hg19) VCF-style: chr12-133219427-C-A.
Other names: short protein forms Q1569H.
Identifiers: ClinVar variation 2823816 (VCV002823816.3), dbSNP rs2138538998, ClinGen allele CA387378661.